The following is an entry in ClinVar:

ClinVar aggregate classification (germline): Benign. Review status: criteria provided, multiple submitters, no conflicts (2 of 4 stars). 2 submissions from 2 submitters: Benign (2). Last evaluated 2018-06-14.

Allele frequency attached by ClinVar (database versions not stated): gnomAD exomes 0.47420; gnomAD 0.55167; 1000 Genomes Project 0.58702; 1000 Genomes Project 30x 0.60250; TOPMed 0.61060.

Submissions (2):

GeneDx
Classification: Benign. Last evaluated: 2018-06-14. Review status: criteria provided, single submitter. Criteria: GeneDx Variant Classification (06012015). Collection method: clinical testing. Allele origin: germline. Affected: yes.
Comment: This variant is considered likely benign or benign based on one or more of the following criteria: it is a conservative change, it occurs at a poorly conserved position in the protein, it is predicted to be benign by multiple in silico algorithms, and/or has population frequency not consistent with disease.

Breakthrough Genomics
Classification: Benign. Review status: criteria provided, single submitter. Criteria: ACMG Guidelines, 2015. Collection method: not provided. Allele origin: germline. Inheritance: X-linked inheritance. Affected: yes.

NM_005120.3(MED12):c.5401-87T>C

Gene: MED12 (mediator complex subunit 12; plus strand). Cytogenetic location: Xq13.1.
Variant type: single nucleotide variant.
Coding change: c.5401-87T>C on transcript NM_005120.3 (MANE Select); 87 bases into the intron before coding-DNA position 5401, T replaced by C.
Molecular consequence: intron variant.
Genome position (GRCh38, 1-based): chrX:71,136,792, T>C. VCF-style: chrX-71136792-T-C. GRCh37 (hg19) VCF-style: chrX-70356642-T-C.
Identifiers: ClinVar variation 673790 (VCV000673790.2), dbSNP rs12852829, ClinGen allele CA15054482.